The following is an entry in ClinVar:

NM_001103.4(ACTN2):c.167G>A (p.Gly56Asp)

Gene: ACTN2 (actinin alpha 2; plus strand). Cytogenetic location: 1q43.
Variant type: single nucleotide variant.
Coding change: c.167G>A on transcript NM_001103.4 (MANE Select); coding-DNA position 167, G replaced by A.
Protein change: p.Gly56Asp; replaces glycine 56 with aspartic acid.
Molecular consequence: missense variant. On other transcripts: non-coding transcript variant (1).
Genome position (GRCh38, 1-based): chr1:236,717,898, G>A. VCF-style: chr1-236717898-G-A. GRCh37 (hg19) VCF-style: chr1-236881198-G-A.
Other names: c.167G>A (NM_001103.3); c.167G>A, p.Gly56Asp (NM_001278343.2); short protein forms G56D.
Identifiers: ClinVar variation 3763245 (VCV003763245.3), dbSNP rs779704744.
Genomic context (GRCh38, chr1:236,717,898, plus strand): 5'-GTGTTTGGTTTTCTTTGCAGACCTTCACTGCCTGGTGTAACTCCCACCTAAGGAAAGCCG[G>A]CACCCAGATTGAGAACATCGAGGAAGACTTCAGGAATGGCCTTAAGCTCATGCTGCTTTT-3'
Protein context (NP_001094.1, residues 46-66): AWCNSHLRKA[Gly56Asp]TQIENIEEDF

ClinVar aggregate classification (germline): Uncertain significance. Review status: criteria provided, multiple submitters, no conflicts (2 of 4 stars). 2 submissions from 2 submitters: Uncertain significance (2). Last evaluated 2025-04-09.

Conditions:
Primary familial hypertrophic cardiomyopathy (HCM). Identifiers: Orphanet 99739, MedGen C0949658, MeSH D024741, MONDO:0024573. Inheritance: Various modes of inheritance.
Dilated cardiomyopathy 1AA (CMD1AA). Also called: Cardiomyopathy, dilated, 1AA, with or without LVNC; CARDIOMYOPATHY, DILATED, 1AA, WITH OR WITHOUT LEFT VENTRICULAR NONCOMPACTION; CARDIOMYOPATHY, FAMILIAL HYPERTROPHIC, 23, WITH OR WITHOUT LEFT VENTRICULAR NONCOMPACTION. Identifiers: Orphanet 154, MedGen C2677338, MONDO:0012808, OMIM 612158.
Cardiovascular phenotype. Identifiers: MedGen CN230736.

gnomAD v4.1: 1 of 1,614,088 alleles (0.000062%); highest among the groups gnomAD compares: Non-Finnish European, 0.000085%; no homozygotes.

Submissions (2):

Molecular Diagnostic Laboratory for Inherited Cardiovascular Disease, Montreal Heart Institute
Classification: Uncertain significance for Cardiovascular phenotype. Last evaluated: 2025-04-09. Review status: criteria provided, single submitter. Criteria: ACMG Guidelines, 2015. Collection method: clinical testing. Allele origin: germline. Affected: yes.
Comment: PM2, PP3

Labcorp Genetics (formerly Invitae), Labcorp
Classification: Uncertain significance for Primary familial hypertrophic cardiomyopathy; Dilated cardiomyopathy 1AA. Last evaluated: 2024-03-16. Review status: criteria provided, single submitter. Criteria: Invitae Variant Classification Sherloc (09022015). Collection method: clinical testing. Allele origin: germline.
Comment: This sequence change replaces glycine, which is neutral and non-polar, with aspartic acid, which is acidic and polar, at codon 56 of the ACTN2 protein (p.Gly56Asp). This variant is present in population databases (rs779704744, gnomAD 0.0009%). This variant has not been reported in the literature in individuals affected with ACTN2-related conditions. Advanced modeling of protein sequence and biophysical properties (such as structural, functional, and spatial information, amino acid conservation, physicochemical variation, residue mobility, and thermodynamic stability) performed at Invitae indicates that this missense variant is not expected to disrupt ACTN2 protein function with a negative predictive value of 80%. In summary, the available evidence is currently insufficient to determine the role of this variant in disease. Therefore, it has been classified as a Variant of Uncertain Significance.